The following is an entry in ClinVar:

NM_032581.4(HYCC1):c.864T>G (p.His288Gln)

Gene: HYCC1 (hyccin PI4KA lipid kinase complex subunit 1; minus strand). Cytogenetic location: 7p15.3.
Variant type: single nucleotide variant.
Coding change: c.864T>G on transcript NM_032581.4 (MANE Select); coding-DNA position 864, T replaced by G.
Protein change: p.His288Gln; replaces histidine 288 with glutamine.
Molecular consequence: missense variant.
Genome position (GRCh38, 1-based): chr7:22,960,383, A>C on the plus strand (T>G on the coding strand, the complement: HYCC1 is on the minus strand). VCF-style: chr7-22960383-A-C. GRCh37 (hg19) VCF-style: chr7-23000002-A-C.
Other names: c.864T>G, p.His288Gln (NM_001363466.2, NM_001363467.2); short protein forms H288Q.
Identifiers: ClinVar variation 1163861 (VCV001163861.7), dbSNP rs190147276, ClinGen allele CA4185881.

ClinVar aggregate classification (germline): Uncertain significance. Review status: criteria provided, multiple submitters, no conflicts (2 of 4 stars). 3 submissions from 3 submitters: Uncertain significance (3). Last evaluated 2022-07-29.

Conditions:
Inborn genetic diseases. Identifiers: MedGen C0950123, MeSH D030342.
Hypomyelination and Congenital Cataract (HLD5). Also called: hypomyelinating leukodystrophy 5. Identifiers: Orphanet 85163, MedGen C1864663, MONDO:0012514, OMIM 610532.

Allele frequency attached by ClinVar (database versions not stated): ExAC 0.00007; gnomAD exomes 0.00010 and 0.00018; TOPMed 0.00012; 1000 Genomes Project 30x 0.00016; 1000 Genomes Project 0.00020; gnomAD 0.00023 and 0.00025.
gnomAD v4.1: 286 of 1,613,520 alleles (0.018%); highest among the groups gnomAD compares: Admixed American, 0.05%; no homozygotes.

Submissions (3):

Labcorp Genetics (formerly Invitae), Labcorp
Classification: Uncertain significance for Hypomyelination and Congenital Cataract. Last evaluated: 2022-07-29. Review status: criteria provided, single submitter. Criteria: Invitae Variant Classification Sherloc (09022015). Collection method: clinical testing. Allele origin: germline.
Comment: This sequence change replaces histidine, which is basic and polar, with glutamine, which is neutral and polar, at codon 288 of the FAM126A protein (p.His288Gln). This variant is present in population databases (rs190147276, gnomAD 0.02%). This variant has not been reported in the literature in individuals affected with FAM126A-related conditions. ClinVar contains an entry for this variant (Variation ID: 1163861). Algorithms developed to predict the effect of missense changes on protein structure and function output the following: SIFT: "Tolerated"; PolyPhen-2: "Benign"; Align-GVGD: "Class C0". The glutamine amino acid residue is found in multiple mammalian species, which suggests that this missense change does not adversely affect protein function. Algorithms developed to predict the effect of sequence changes on RNA splicing suggest that this variant may create or strengthen a splice site. In summary, the available evidence is currently insufficient to determine the role of this variant in disease. Therefore, it has been classified as a Variant of Uncertain Significance.

Ambry Genetics
Classification: Uncertain significance for Inborn genetic diseases. Last evaluated: 2021-06-11. Review status: criteria provided, single submitter. Criteria: Ambry Variant Classification Scheme 2023. Collection method: clinical testing. Allele origin: germline.

Mayo Clinic Laboratories, Mayo Clinic
Classification: Uncertain significance. Last evaluated: 2019-08-11. Review status: criteria provided, single submitter. Criteria: ACMG Guidelines, 2015. Collection method: clinical testing. Allele origin: germline. Observed: 1 variant allele.